The following is an entry in ClinVar:

ClinVar aggregate classification (germline): Benign/Likely benign. Review status: criteria provided, multiple submitters, no conflicts (2 of 4 stars). 5 submissions from 5 submitters: Benign (1); Likely benign (3). 1 of the submissions does not count toward it. Last evaluated 2026-01-28.

Conditions:
Roberts-SC phocomelia syndrome (RBS). Also called: LONG BONE DEFICIENCIES ASSOCIATED WITH CLEFT LIP-PALATE; ESCO2 Spectrum Disorder; Hypomelia hypotrichosis facial hemangioma syndrome; Pseudothalidomide syndrome; Appelt-Gerken-Lenz syndrome. Identifiers: Orphanet 3103, MedGen C0392475, MONDO:0100253, OMIM 268300.

Allele frequency attached by ClinVar (database versions not stated): ESP Exome Variant Server 0.00015; gnomAD exomes 0.00019 and 0.00038; gnomAD 0.00036 and 0.00038; ExAC 0.00042; TOPMed 0.00049; 1000 Genomes Project 30x 0.00125; 1000 Genomes Project 0.00140.
gnomAD v4.1: 471 of 1,613,816 alleles (0.029%); highest among the groups gnomAD compares: East Asian, 0.61%; 6 homozygotes.

Submissions (5):

Labcorp Genetics (formerly Invitae), Labcorp
Classification: Benign. Last evaluated: 2026-01-28. Review status: criteria provided, single submitter. Criteria: Invitae Variant Classification Sherloc (09022015). Collection method: clinical testing. Allele origin: germline.

Blueprint Genetics
Classification: Likely benign. Last evaluated: 2024-10-23. Review status: criteria provided, single submitter. Criteria: ACMG Guidelines, 2015. Collection method: clinical testing. Allele origin: germline.

Genetic Services Laboratory, University of Chicago
Classification: Likely benign. Last evaluated: 2021-05-24. Review status: criteria provided, single submitter. Criteria: ACMG Guidelines, 2015. Collection method: clinical testing. Allele origin: germline. Affected: no.

Illumina Laboratory Services, Illumina
Classification: Likely benign for Roberts-SC phocomelia syndrome. Last evaluated: 2018-01-13. Review status: criteria provided, single submitter. Criteria: ICSL Variant Classification Criteria 13 December 2019. Collection method: clinical testing. Allele origin: germline.
Comment: This variant was observed in the ICSL laboratory as part of a predisposition screen in an ostensibly healthy population. It had not been previously curated by ICSL or reported in the Human Gene Mutation Database (HGMD: prior to June 1st, 2018), and was therefore a candidate for classification through an automated scoring system. Utilizing variant allele frequency, disease prevalence and penetrance estimates, and inheritance mode, an automated score was calculated to assess if this variant is too frequent to cause the disease. Based on the score and internal cut-off values, a variant classified as likely benign is not then subjected to further curation. The score for this variant resulted in a classification of likely benign for this disease.

Natera, Inc.
Classification: Likely benign for Roberts syndrome. Last evaluated: 2020-06-04. Review status: no assertion criteria provided. Collection method: clinical testing. Allele origin: germline. Not counted in ClinVar's aggregate classification.

NM_001017420.3(ESCO2):c.1548G>A (p.Thr516=)

Gene: ESCO2 (establishment of sister chromatid cohesion N-acetyltransferase 2; plus strand). Cytogenetic location: 8p21.1.
Variant type: single nucleotide variant.
Coding change: c.1548G>A on transcript NM_001017420.3 (MANE Select); coding-DNA position 1548, G replaced by A.
Protein change: p.Thr516=; no amino-acid change (threonine 516 retained).
Molecular consequence: synonymous variant.
Genome position (GRCh38, 1-based): chr8:27,799,591, G>A. VCF-style: chr8-27799591-G-A. GRCh37 (hg19) VCF-style: chr8-27657108-G-A.
Identifiers: ClinVar variation 362743 (VCV000362743.19), dbSNP rs149917909, ClinGen allele CA4692347.